The following is an entry in ClinVar:

NM_024426.6(WT1):c.837C>T (p.Thr279=)

Gene: WT1 (WT1 transcription factor; minus strand). Cytogenetic location: 11p13.
Variant type: single nucleotide variant.
Coding change: c.837C>T on transcript NM_024426.6 (MANE Select); coding-DNA position 837, C replaced by T.
Protein change: p.Thr279=; no amino-acid change (threonine 279 retained).
Molecular consequence: synonymous variant. On other transcripts: non-coding transcript variant (2).
Genome position (GRCh38, 1-based): chr11:32,428,006, G>A on the plus strand (C>T on the coding strand, the complement: WT1 is on the minus strand). VCF-style: chr11-32428006-G-A. GRCh37 (hg19) VCF-style: chr11-32449552-G-A.
Other names: c.837C>T, p.Thr279= (NM_000378.6, NM_001407044.1, NM_001407045.1 and 4 more transcripts); c.186C>T, p.Thr62= (NM_001198551.2, NM_001198552.2); c.714C>T, p.Thr238= (NM_001407047.1, NM_001407050.1); c.75C>T, p.Thr25= (NM_001407051.1); c.822C>T, p.Thr274= (NM_024425.2); c.822C>T (NM_024426.4).
Identifiers: ClinVar variation 1605396 (VCV001605396.12), dbSNP rs747613465, ClinGen allele CA473569645.

ClinVar aggregate classification (germline): Conflicting classifications of pathogenicity. Review status: criteria provided, conflicting classifications (1 of 4 stars). 5 submissions from 5 submitters: Uncertain significance (1); Likely benign (4). Last evaluated 2024-11-20.

Conditions:
Frasier syndrome. Identifiers: Orphanet 347, MedGen C0950122, MeSH D052159, MONDO:0007635, OMIM 136680.
Meacham syndrome. Also called: Meacham Winn Culler syndrome. Identifiers: Orphanet 3097, MedGen C1837026, MONDO:0012164, OMIM 608978.
Mesothelioma, malignant (MESOM). Also called: Malignant mesothelioma (disease). Identifiers: Orphanet 50251, MedGen C0345967, MONDO:0006292, OMIM 156240, HP:0100001.
Nephrotic syndrome, type 4 (NPHS4). Also called: Familial mesangial sclerosis; Nephrotic syndrome, early onset with diffuse mesangial sclerosis. Identifiers: Orphanet 656, MedGen C3151568, MONDO:0009733, OMIM 256370.
Drash syndrome (DDS). Also called: WILMS TUMOR AND PSEUDO- OR TRUE HERMAPHRODITISM; NEPHROPATHY, WILMS TUMOR, AND GENITAL ANOMALIES. Identifiers: Orphanet 220, MedGen C0950121, MONDO:0008682, OMIM 194080.
Wilms tumor 1 (WT1). Also called: Wilms tumor, somatic. Identifiers: Orphanet 654, MedGen CN033288, MONDO:0008679, OMIM 194070.
11p partial monosomy syndrome (WAGR). Also called: CHROMOSOME 11p13 DELETION SYNDROME; WAGR syndrome; WAGR Spectrum Disorder; WAGR Complex. Identifiers: Orphanet 893, MedGen C0206115, MONDO:0008681, OMIM 194072.
Inborn genetic diseases. Identifiers: MedGen C0950123, MeSH D030342.
Hereditary cancer-predisposing syndrome. Also called: Tumor predisposition; Hereditary neoplastic syndrome; Neoplastic Syndromes, Hereditary; Hereditary Cancer Syndrome. Identifiers: Orphanet 140162, MedGen C0027672, MeSH D009386, MONDO:0015356.

Allele frequency attached by ClinVar (database versions not stated): TOPMed below 0.00001.
gnomAD v4.1: 8 of 1,611,628 alleles (0.0005%); highest among the groups gnomAD compares: Non-Finnish European, 0.00068%; no homozygotes.

Submissions (5):

Ambry Genetics
Classification: Likely benign for Inborn genetic diseases. Last evaluated: 2024-11-20. Review status: criteria provided, single submitter. Criteria: Ambry Variant Classification Scheme 2023. Collection method: clinical testing. Allele origin: germline.

Labcorp Genetics (formerly Invitae), Labcorp
Classification: Likely benign for Wilms tumor 1; Drash syndrome; 11p partial monosomy syndrome; Frasier syndrome. Last evaluated: 2024-04-29. Review status: criteria provided, single submitter. Criteria: Invitae Variant Classification Sherloc (09022015). Collection method: clinical testing. Allele origin: germline.

Fulgent Genetics
Classification: Uncertain significance for Frasier syndrome; Mesothelioma, malignant; Wilms tumor 1; Drash syndrome; Nephrotic syndrome, type 4; Meacham syndrome. Last evaluated: 2024-04-01. Review status: criteria provided, single submitter. Criteria: ACMG Guidelines, 2015. Collection method: clinical testing. Allele origin: germline.

All of Us Research Program, National Institutes of Health
Classification: Likely benign for Wilms tumor 1. Last evaluated: 2023-09-17. Review status: criteria provided, single submitter. Criteria: ACMG Guidelines, 2015. Collection method: clinical testing. Allele origin: germline. Inheritance: Autosomal dominant inheritance. Observed: 1 variant allele, 1 heterozygote.
Comment: This study involves interpretation of variants in research participants for the purpose of population health screening. Participant phenotype was not available at the time of variant classification. Additional details can be found in publication PMID: 35346344, PMCID: PMC8962531

Sema4
Classification: Likely benign for Hereditary cancer-predisposing syndrome. Last evaluated: 2021-09-30. Review status: criteria provided, single submitter. Criteria: Sema4 Curation Guidelines. Collection method: curation. Allele origin: germline.